The following is an entry in ClinVar:

ClinVar aggregate classification (germline): Uncertain significance (1 of 4 stars; one submission).

Conditions:
Cardiomyopathy (CMYO). Also called: Cardiomyopathies. Identifiers: Orphanet 167848, MedGen C0878544, MONDO:0004994, HP:0001638. Inheritance: Various modes of inheritance.

Submission:

Color Diagnostics, LLC DBA Color Health
Classification: Uncertain significance for Cardiomyopathy. Last evaluated: 2019-12-23. Review status: criteria provided, single submitter. Criteria: ACMG Guidelines, 2015. Collection method: clinical testing. Allele origin: germline.
Comment: This variant replaces glutamic acid with two different amino acids at codon 432 in the PKP2 protein. To our knowledge, functional studies have not been performed for this variant. This variant has not been reported in individuals affected with cardiovascular disorders in the literature. This variant has not been identified in the general population by the Genome Aggregation Database (gnomAD). The available evidence is insufficient to determine the role of this variant in disease conclusively. Therefore, this variant is classified as a Variant of Uncertain Significance.

NM_001005242.3(PKP2):c.1293_1294delinsAGTTC (p.Glu432delinsValGln)

Gene: PKP2 (plakophilin 2; minus strand). Cytogenetic location: 12p11.21.
Variant type: Indel.
Coding change: c.1293_1294delinsAGTTC on transcript NM_001005242.3 (MANE Select); coding-DNA positions 1293 to 1294, GG replaced by AGTTC.
Protein change: p.Glu432delinsValGln.
Molecular consequence: inframe indel.
Genome position (GRCh38, 1-based): chr12:32,850,850-32,850,851, CC replaced by GAACT on the plus strand (GG replaced by AGTTC on the coding strand, the reverse complement: PKP2 is on the minus strand). VCF-style: chr12-32850850-CC-GAACT. GRCh37 (hg19) VCF-style: chr12-33003784-CC-GAACT.
Other names: c.1293_1294delinsAGTTC, p.Glu432delinsValGln (NM_004572.4).
Identifiers: ClinVar variation 920177 (VCV000920177.3), dbSNP rs1956689523, ClinGen allele CA1139662577.